The following is an entry in ClinVar:

NM_015046.7(SETX):c.3589G>A (p.Asp1197Asn)

Gene: SETX (senataxin; minus strand). Cytogenetic location: 9q34.13.
Variant type: single nucleotide variant.
Coding change: c.3589G>A on transcript NM_015046.7 (MANE Select); coding-DNA position 3589, G replaced by A.
Protein change: p.Asp1197Asn; replaces aspartic acid 1197 with asparagine.
Molecular consequence: missense variant.
Genome position (GRCh38, 1-based): chr9:132,328,009, C>T on the plus strand (G>A on the coding strand, the complement: SETX is on the minus strand). VCF-style: chr9-132328009-C-T. GRCh37 (hg19) VCF-style: chr9-135203396-C-T.
Other names: c.3589G>A, p.Asp1197Asn (NM_001351527.2, NM_001351528.2); c.3589G>A (NM_015046.5); short protein forms D1197N.
Identifiers: ClinVar variation 1007876 (VCV001007876.11), dbSNP rs149558692, ClinGen allele CA5297367.

ClinVar aggregate classification (germline): Conflicting classifications of pathogenicity. Review status: criteria provided, conflicting classifications (1 of 4 stars). 3 submissions from 3 submitters: Uncertain significance (2); Benign (1). Last evaluated 2025-11-15.

Conditions:
SETX-related disorder. Also called: SETX-related condition; SETX-related disorders. Identifiers: MedGen CN239403.
Spinocerebellar ataxia, autosomal recessive, with axonal neuropathy 2 (SCAN2). Also called: ATAXIA-OCULOMOTOR APRAXIA 2; Ataxia-ocular apraxia-2; Ataxia with Oculomotor Apraxia Type 2; Ataxia with Oculomotor Apraxia. Identifiers: Orphanet 64753, MedGen C1853761, MONDO:0018996, OMIM 606002.
Amyotrophic lateral sclerosis type 4 (ALS4). Also called: AMYOTROPHIC LATERAL SCLEROSIS 4, JUVENILE; NEURONOPATHY, DISTAL HEREDITARY MOTOR, WITH PYRAMIDAL FEATURES. Identifiers: Orphanet 357043, MedGen C1865409, MONDO:0011223, OMIM 602433.

Allele frequency attached by ClinVar (database versions not stated): TOPMed 0.00006.

Submissions (3):

PreventionGenetics, part of Exact Sciences
Classification: Uncertain significance for SETX-related condition. Last evaluated: 2025-11-15. Review status: criteria provided, single submitter. Criteria: ACMG Guidelines, 2015. Collection method: clinical testing. Allele origin: germline.
Comment: The SETX c.3589G>A variant is predicted to result in the amino acid substitution p.Asp1197Asn. To our knowledge, this variant has not been reported in the literature. This variant is reported in 0.0062% of alleles in individuals of African descent in gnomAD. At this time, the clinical significance of this variant is uncertain due to the absence of conclusive functional and genetic evidence.

GeneDx
Classification: Uncertain significance. Last evaluated: 2024-09-13. Review status: criteria provided, single submitter. Criteria: GeneDx Variant Classification Process June 2021. Collection method: clinical testing. Allele origin: germline. Affected: yes.
Comment: In silico analysis indicates that this missense variant does not alter protein structure/function; Has not been previously published as pathogenic or benign to our knowledge

Labcorp Genetics (formerly Invitae), Labcorp
Classification: Benign for Amyotrophic lateral sclerosis type 4; Spinocerebellar ataxia, autosomal recessive, with axonal neuropathy 2. Last evaluated: 2024-05-24. Review status: criteria provided, single submitter. Criteria: Invitae Variant Classification Sherloc (09022015). Collection method: clinical testing. Allele origin: germline.